The following is an entry in ClinVar:

ClinVar aggregate classification (germline): Conflicting classifications of pathogenicity. Review status: criteria provided, conflicting classifications (1 of 4 stars). 6 submissions from 6 submitters: Uncertain significance (4); Likely benign (1). 1 of the submissions does not count toward it. Last evaluated 2025-03-18.

Conditions:
Hereditary cancer-predisposing syndrome. Also called: Neoplastic Syndromes, Hereditary; Tumor predisposition; Hereditary Cancer Syndrome; Hereditary neoplastic syndrome. Identifiers: Orphanet 140162, MedGen C0027672, MeSH D009386, MONDO:0015356.
Ataxia-telangiectasia syndrome (AT). Also called: ATAXIA-TELANGIECTASIA, COMPLEMENTATION GROUP A; ATAXIA-TELANGIECTASIA, FRESNO VARIANT; Ataxia-telangiectasia; Ataxia-telangiectasia, complementation group D; AT, COMPLEMENTATION GROUP C; Ataxia-telangiectasia, complementation group E. Identifiers: Orphanet 100, MedGen C0004135, MONDO:0008840, OMIM 208900.
Familial cancer of breast. Also called: hereditary breast carcinoma; BREAST CANCER, FAMILIAL; Hereditary breast cancer. Identifiers: Orphanet 227535, MedGen C0346153, MONDO:0016419, OMIM 114480. Disease mechanism: loss of function.

Allele frequency attached by ClinVar (database versions not stated): gnomAD exomes below 0.00001.
gnomAD v4.1: 1 of 1,610,446 alleles (0.000062%); highest among the groups gnomAD compares: Non-Finnish European, 0.000085%; no homozygotes.

Submissions (6):

Labcorp Genetics (formerly Invitae), Labcorp
Classification: Uncertain significance for Ataxia-telangiectasia syndrome. Last evaluated: 2025-03-18. Review status: criteria provided, single submitter. Criteria: Invitae Variant Classification Sherloc (09022015). Collection method: clinical testing. Allele origin: germline.
Comment: This sequence change replaces serine, which is neutral and polar, with phenylalanine, which is neutral and non-polar, at codon 363 of the ATM protein (p.Ser363Phe). This variant is not present in population databases (gnomAD no frequency). This variant has not been reported in the literature in individuals affected with ATM-related conditions. ClinVar contains an entry for this variant (Variation ID: 524383). Invitae Evidence Modeling of protein sequence and biophysical properties (such as structural, functional, and spatial information, amino acid conservation, physicochemical variation, residue mobility, and thermodynamic stability) indicates that this missense variant is not expected to disrupt ATM protein function with a negative predictive value of 95%. In summary, the available evidence is currently insufficient to determine the role of this variant in disease. Therefore, it has been classified as a Variant of Uncertain Significance.

Fulgent Genetics
Classification: Uncertain significance for Familial cancer of breast; Ataxia-telangiectasia syndrome. Last evaluated: 2024-04-18. Review status: criteria provided, single submitter. Criteria: ACMG Guidelines, 2015. Collection method: clinical testing. Allele origin: germline.

Ambry Genetics
Classification: Likely benign for Hereditary cancer-predisposing syndrome. Last evaluated: 2023-11-13. Review status: criteria provided, single submitter. Criteria: Ambry Variant Classification Scheme 2023. Collection method: clinical testing. Allele origin: germline.

GeneDx
Classification: Uncertain significance. Last evaluated: 2023-04-05. Review status: criteria provided, single submitter. Criteria: GeneDx Variant Classification Process June 2021. Collection method: clinical testing. Allele origin: germline. Affected: yes.
Comment: Not observed at significant frequency in large population cohorts (gnomAD); In silico analysis supports that this missense variant does not alter protein structure/function; Has not been previously published as pathogenic or benign to our knowledge

Color Diagnostics, LLC DBA Color Health
Classification: Uncertain significance for Hereditary cancer-predisposing syndrome. Last evaluated: 2023-03-13. Review status: criteria provided, single submitter. Criteria: ACMG Guidelines, 2015. Collection method: clinical testing. Allele origin: germline.
Comment: This missense variant replaces serine with phenylalanine at codon 363 of the ATM protein. Computational prediction suggests that this variant may not impact protein structure and function (internally defined REVEL score threshold <= 0.5, PMID: 27666373). To our knowledge, functional studies have not been reported for this variant. This variant has not been reported in individuals affected with hereditary cancer in the literature. This variant has not been identified in the general population by the Genome Aggregation Database (gnomAD). The available evidence is insufficient to determine the role of this variant in disease conclusively. Therefore, this variant is classified as a Variant of Uncertain Significance.

Natera, Inc.
Classification: Uncertain significance for Ataxia-telangiectasia. Last evaluated: 2020-12-29. Review status: no assertion criteria provided. Collection method: clinical testing. Allele origin: germline. Not counted in ClinVar's aggregate classification.

NM_000051.4(ATM):c.1088C>T (p.Ser363Phe)

Gene: ATM (ATM serine/threonine kinase; plus strand). Cytogenetic location: 11q22.3.
Variant type: single nucleotide variant.
Coding change: c.1088C>T on transcript NM_000051.4 (MANE Select); coding-DNA position 1088, C replaced by T.
Protein change: p.Ser363Phe; replaces serine 363 with phenylalanine.
Molecular consequence: missense variant.
Genome position (GRCh38, 1-based): chr11:108,248,955, C>T. VCF-style: chr11-108248955-C-T. GRCh37 (hg19) VCF-style: chr11-108119682-C-T.
Other names: c.1088C>T, p.Ser363Phe (NM_001351834.2); short protein forms S363F.
Identifiers: ClinVar variation 524383 (VCV000524383.21), dbSNP rs1555069560, ClinGen allele CA382532358.
Genomic context (GRCh38, chr11:108,248,955, plus strand): 5'-AAAAAAAAGAAAAAAGTGGATTTATTTTTATTTTACAGGTTTTTAATGAAGATACCAGAT[C>T]CTTGGAGATTTCTCAATCTTACACTACTACACAAAGAGAATCTAGTGATTACAGTGTCCC-3'
Protein context (NP_000042.3, residues 353-373): CHQVFNEDTR[Ser363Phe]LEISQSYTTT